The following is an entry in ClinVar:

ClinVar aggregate classification (germline): Likely pathogenic (1 of 4 stars; one submission).

Conditions:
Dilated cardiomyopathy 1G (CMD1G). Identifiers: Orphanet 154, MedGen C1858763, MONDO:0011400, OMIM 604145.
Autosomal recessive limb-girdle muscular dystrophy type 2J (LGMDR10). Also called: Limb-girdle muscular dystrophy, type 2J; MUSCULAR DYSTROPHY, LIMB-GIRDLE, AUTOSOMAL RECESSIVE 10. Identifiers: Orphanet 140922, MedGen C1837342, MONDO:0012127, OMIM 608807.

Submission:

Labcorp Genetics (formerly Invitae), Labcorp
Classification: Likely pathogenic for Dilated cardiomyopathy 1G; Autosomal recessive limb-girdle muscular dystrophy type 2J. Last evaluated: 2018-04-10. Review status: criteria provided, single submitter. Criteria: Invitae Variant Classification Sherloc (09022015). Collection method: clinical testing. Allele origin: germline.
Comment: This variant is found in the A-band of this gene. Truncating variants in the A-band of TTN are significantly overrepresented in patients with dilated cardiomyopathy and are considered to be likely pathogenic for the disease (PMID: 25589632). Truncating variants in TTN have also been reported in individuals affected with autosomal recessive centronuclear myopathy (PMID: 23975875). In summary, the currently available evidence indicates that the variant is pathogenic, but additional data are needed to prove that conclusively. Therefore, this variant has been classified as Likely Pathogenic. This variant has not been reported in the literature in individuals with TTN-related disease. This sequence change results in a premature translational stop signal in the TTN gene (p.Ile24114Phefs*7). While this is not anticipated to result in nonsense mediated decay, it is expected to create a truncated TTN protein. This variant is not present in population databases (ExAC no frequency).

Literature cited by the submitters: PubMed 25589632; PubMed 23975875.

NM_001267550.2(TTN):c.72339_72340del (p.Ile24114fs)

Genes: TTN-AS1 (TTN antisense RNA 1; plus strand), TTN (titin; minus strand). Cytogenetic location: 2q31.2.
Variant type: Microsatellite.
Coding change: c.72339_72340del on transcript NM_001267550.2 (MANE Select); coding-DNA positions 72339 to 72340, 2 bases deleted (CA; older notation c.72339_72340delCA).
Protein change: p.Ile24114fs; shifts the reading frame from isoleucine 24114.
Molecular consequence: frameshift variant.
Genome position (GRCh38, 1-based): chr2:178,573,792-178,573,793, TG deleted on the plus strand (CA on the coding strand, the reverse complement: TTN is on the minus strand); deleting any 2 consecutive bases within chr2:178,573,792-178,573,796 gives the same sequence; the c. name uses the placement nearest the transcript's 3' end. VCF-style (leftmost placement, unchanged base first): chr2-178573791-ATG-A. GRCh37 (hg19) VCF-style: chr2-179438518-ATG-A.
Other names: c.67416_67417del, p.Ile22473fs (NM_001256850.1); c.45144_45145del, p.Ile15049fs (NM_003319.4); c.64635_64636del, p.Ile21546fs (NM_133378.4); c.45519_45520del, p.Ile15174fs (NM_133432.3); c.45720_45721del, p.Ile15241fs (NM_133437.4); c.72339_72340delCA (NM_001267550.2); short protein forms I15174fs, I24114fs, I15241fs, I15049fs, I21546fs, I22473fs.
Identifiers: ClinVar variation 569800 (VCV000569800.9), dbSNP rs1559429489, ClinGen allele CA891843397.